The following is an entry in ClinVar:

NM_000214.3(JAG1):c.2612C>G (p.Pro871Arg)

Gene: JAG1 (jagged canonical Notch ligand 1; minus strand). Cytogenetic location: 20p12.2.
Variant type: single nucleotide variant.
Coding change: c.2612C>G on transcript NM_000214.3 (MANE Select); coding-DNA position 2612, C replaced by G.
Protein change: p.Pro871Arg; replaces proline 871 with arginine.
Molecular consequence: missense variant.
Genome position (GRCh38, 1-based): chr20:10,641,853, G>C on the plus strand (C>G on the coding strand, the complement: JAG1 is on the minus strand). VCF-style: chr20-10641853-G-C. GRCh37 (hg19) VCF-style: chr20-10622501-G-C.
Other names: short protein forms P871R.
Identifiers: ClinVar variation 42475 (VCV000042475.37), dbSNP rs35761929, ClinGen allele CA282307.
Genomic context (GRCh38, chr20:10,641,853, plus strand): 5'-GCGATCCGTCCATTCAGGCACTGGCAGGTATTACAGTCATCATCCCATTTGGCCCCATCT[G>C]GTATCACACTCCCCATGGTGATGCAAGGTCTCCCTGAAACTGACAGGTGGAGACGGGTGA-3'
Protein context (NP_000205.1, residues 861-881): RPCITMGSVI[Pro871Arg]DGAKWDDDCN

ClinVar aggregate classification (germline): Benign/Likely benign. Review status: criteria provided, multiple submitters, no conflicts (2 of 4 stars). 15 submissions from 15 submitters: Benign (9); Likely benign (1). 5 of the submissions do not count toward it. Last evaluated 2026-02-03.

Conditions:
Cardiovascular phenotype. Identifiers: MedGen CN230736.
Isolated Nonsyndromic Congenital Heart Disease.
Alagille syndrome due to a JAG1 point mutation. Also called: HEPATIC DUCTULAR HYPOPLASIA, SYNDROMATIC; Alagille Syndrome 1; JAG1-Related Alagille Syndrome. Identifiers: Orphanet 261619, Orphanet 52, MedGen C1956125, MONDO:0016862, OMIM 118450.

Allele frequency attached by ClinVar (database versions not stated): TOPMed 0.04210; gnomAD 0.04795 and 0.05056; ESP Exome Variant Server 0.04813; 1000 Genomes Project 30x 0.05153; 1000 Genomes Project 0.05292; gnomAD exomes 0.06342 and 0.06764; ExAC 0.06618.
gnomAD v4.1: 106,018 of 1,613,100 alleles (6.6%); highest among the groups gnomAD compares: South Asian, 14%; 4,249 homozygotes.

Submissions (15):

Labcorp Genetics (formerly Invitae), Labcorp
Classification: Benign for Alagille syndrome due to a JAG1 point mutation. Last evaluated: 2026-02-03. Review status: criteria provided, single submitter. Criteria: Invitae Variant Classification Sherloc (09022015). Collection method: clinical testing. Allele origin: germline.

Blueprint Genetics
Classification: Benign. Last evaluated: 2024-11-28. Review status: criteria provided, single submitter. Criteria: ACMG Guidelines, 2015. Collection method: clinical testing. Allele origin: germline.

Mayo Clinic Laboratories, Mayo Clinic
Classification: Benign. Last evaluated: 2024-11-08. Review status: criteria provided, single submitter. Criteria: ACMG Guidelines, 2015. Collection method: clinical testing. Allele origin: germline. Observed: 91 variant alleles.

Women's Health and Genetics/Laboratory Corporation of America, LabCorp
Classification: Likely benign. Last evaluated: 2023-04-10. Review status: criteria provided, single submitter. Criteria: LabCorp Variant Classification Summary - May 2015. Collection method: clinical testing. Allele origin: germline.

Illumina Laboratory Services, Illumina
Classification: Benign for Isolated Nonsyndromic Congenital Heart Disease. Last evaluated: 2018-03-06. Review status: criteria provided, single submitter. Criteria: ICSL Variant Classification Criteria 13 December 2019. Collection method: clinical testing. Allele origin: germline.
Comment: This variant was observed in the ICSL laboratory as part of a predisposition screen in an ostensibly healthy population. It had not been previously curated by ICSL or reported in the Human Gene Mutation Database (HGMD: prior to June 1st, 2018), and was therefore a candidate for classification through an automated scoring system. Utilizing variant allele frequency, disease prevalence and penetrance estimates, and inheritance mode, an automated score was calculated to assess if this variant is too frequent to cause the disease. Based on the score and internal cut-off values, a variant classified as benign is not then subjected to further curation. The score for this variant resulted in a classification of benign for this disease.

Eurofins Ntd Llc (ga)
Classification: Benign. Last evaluated: 2016-02-05. Review status: criteria provided, single submitter. Criteria: EGL Classification Definitions 2015. Collection method: clinical testing. Allele origin: germline. Observed: 1 variant allele, 1 heterozygote.

Ambry Genetics
Classification: Benign for Cardiovascular phenotype. Last evaluated: 2015-06-29. Review status: criteria provided, single submitter. Criteria: Ambry Variant Classification Scheme 2023. Collection method: clinical testing. Allele origin: germline.

Laboratory for Molecular Medicine, Mass General Brigham Personalized Medicine
Classification: Benign. Last evaluated: 2010-09-03. Review status: criteria provided, single submitter. Criteria: LMM Criteria. Collection method: clinical testing. Allele origin: germline. Observed: 9 variant alleles.

Breakthrough Genomics
Classification: Benign. Review status: criteria provided, single submitter. Criteria: ACMG Guidelines, 2015. Collection method: not provided. Allele origin: germline. Inheritance: Autosomal dominant inheritance. Affected: yes.

PreventionGenetics, part of Exact Sciences
Classification: Benign. Review status: criteria provided, single submitter. Criteria: ACMG Guidelines, 2015. Collection method: clinical testing. Allele origin: germline.

Clinical Genetics DNA and cytogenetics Diagnostics Lab, Erasmus MC, Erasmus Medical Center
Classification: Benign. Review status: no assertion criteria provided. Collection method: clinical testing. Allele origin: germline. Affected: yes. Study: VKGL Data-share Consensus. Not counted in ClinVar's aggregate classification.

Clinical Genetics, Academic Medical Center
Classification: Benign. Review status: no assertion criteria provided. Collection method: clinical testing. Allele origin: germline. Affected: yes. Study: VKGL Data-share Consensus. Not counted in ClinVar's aggregate classification.

Diagnostic Laboratory, Department of Genetics, University Medical Center Groningen
Classification: Likely benign. Review status: no assertion criteria provided. Collection method: clinical testing. Allele origin: germline. Affected: yes. Study: VKGL Data-share Consensus. Not counted in ClinVar's aggregate classification.

Genome Diagnostics Laboratory, University Medical Center Utrecht
Classification: Benign. Review status: no assertion criteria provided. Collection method: clinical testing. Allele origin: germline. Affected: yes. Study: VKGL Data-share Consensus. Not counted in ClinVar's aggregate classification.

Joint Genome Diagnostic Labs from Nijmegen and Maastricht, Radboudumc and MUMC+
Classification: Benign. Review status: no assertion criteria provided. Collection method: clinical testing. Allele origin: germline. Affected: yes. Study: VKGL Data-share Consensus. Not counted in ClinVar's aggregate classification.